The following is an entry in ClinVar:

ClinVar aggregate classification (germline): Conflicting classifications of pathogenicity. Review status: criteria provided, conflicting classifications (1 of 4 stars). 10 submissions from 10 submitters: Uncertain significance (6); Likely benign (1). 3 of the submissions do not count toward it. Last evaluated 2025-12-24.

Conditions:
INVS-related disorder. Also called: INVS-related condition.
Nephronophthisis. Also called: Juvenile Nephronophthisis. Identifiers: Orphanet 655, MedGen C0687120, MONDO:0019005, HP:0000090.
Infantile nephronophthisis (NPHP2). Also called: Nephronophthisis 2, infantile; Nephronophthisis 2. Identifiers: Orphanet 655, Orphanet 93591, MedGen C1865872, MONDO:0011190, OMIM 602088.

Allele frequency attached by ClinVar (database versions not stated): 1000 Genomes Project 30x 0.00016; 1000 Genomes Project 0.00020; TOPMed 0.00020; gnomAD 0.00021 and 0.00027; ExAC 0.00031; ESP Exome Variant Server 0.00046.
gnomAD v4.1: 527 of 1,614,066 alleles (0.033%); highest among the groups gnomAD compares: Middle Eastern, 0.082%; 1 homozygote.

Submissions (10):

Labcorp Genetics (formerly Invitae), Labcorp
Classification: Uncertain significance for Nephronophthisis. Last evaluated: 2025-12-24. Review status: criteria provided, single submitter. Criteria: Invitae Variant Classification Sherloc (09022015). Collection method: clinical testing. Allele origin: germline.
Comment: This sequence change replaces valine, which is neutral and non-polar, with isoleucine, which is neutral and non-polar, at codon 23 of the INVS protein (p.Val23Ile). This variant is present in population databases (rs145303373, gnomAD 0.06%). This variant has not been reported in the literature in individuals affected with INVS-related conditions. ClinVar contains an entry for this variant (Variation ID: 596755). An algorithm developed to predict the effect of missense changes on protein structure and function outputs the following: PolyPhen-2: "Benign". The isoleucine amino acid residue is found in multiple mammalian species, which suggests that this missense change does not adversely affect protein function. In summary, the available evidence is currently insufficient to determine the role of this variant in disease. Therefore, it has been classified as a Variant of Uncertain Significance.

PreventionGenetics, part of Exact Sciences
Classification: Uncertain significance for INVS-related condition. Last evaluated: 2025-12-22. Review status: criteria provided, single submitter. Criteria: ACMG Guidelines, 2015. Collection method: clinical testing. Allele origin: germline.
Comment: The INVS c.67G>A variant is predicted to result in the amino acid substitution p.Val23Ile. To our knowledge, this variant has not been reported in the literature. This variant is reported in 0.065% of alleles in individuals of South Asian descent in gnomAD, which may be too common to be an undocumented pathogenic variant. Although we suspect that this variant may be benign, at this time, the clinical significance of this variant is uncertain due to the absence of conclusive functional and genetic evidence.

Blueprint Genetics
Classification: Likely benign. Last evaluated: 2024-11-22. Review status: criteria provided, single submitter. Criteria: ACMG Guidelines, 2015. Collection method: clinical testing. Allele origin: germline.

Fulgent Genetics
Classification: Uncertain significance for Infantile nephronophthisis. Last evaluated: 2024-04-02. Review status: criteria provided, single submitter. Criteria: ACMG Guidelines, 2015. Collection method: clinical testing. Allele origin: germline.

Department of Pathology and Laboratory Medicine, Sinai Health System
Classification: Uncertain significance for Infantile nephronophthisis. Last evaluated: 2021-10-27. Review status: criteria provided, single submitter. Criteria: ACMG Guidelines, 2015. Collection method: research. Allele origin: germline.

Eurofins Ntd Llc (ga)
Classification: Uncertain significance. Last evaluated: 2018-04-04. Review status: criteria provided, single submitter. Criteria: EGL ClinVar v180209 classification definitions. Collection method: clinical testing. Allele origin: germline. Observed: 1 variant allele, 1 heterozygote.

Illumina Laboratory Services, Illumina
Classification: Uncertain significance for Infantile nephronophthisis. Last evaluated: 2018-01-13. Review status: criteria provided, single submitter. Criteria: ICSL Variant Classification Criteria 13 December 2019. Collection method: clinical testing. Allele origin: germline.

Clinical Genetics DNA and cytogenetics Diagnostics Lab, Erasmus MC, Erasmus Medical Center
Classification: Likely benign. Review status: no assertion criteria provided. Collection method: clinical testing. Allele origin: germline. Affected: yes. Study: VKGL Data-share Consensus. Not counted in ClinVar's aggregate classification.

Genome Diagnostics Laboratory, University Medical Center Utrecht
Classification: Likely benign. Review status: no assertion criteria provided. Collection method: clinical testing. Allele origin: germline. Affected: yes. Study: VKGL Data-share Consensus. Not counted in ClinVar's aggregate classification.

Laboratory of Diagnostic Genome Analysis, Leiden University Medical Center (LUMC)
Classification: Likely benign. Review status: no assertion criteria provided. Collection method: clinical testing. Allele origin: germline. Affected: yes. Study: VKGL Data-share Consensus. Not counted in ClinVar's aggregate classification.

NM_014425.5(INVS):c.67G>A (p.Val23Ile)

Gene: INVS (inversin; plus strand). Cytogenetic location: 9q31.1.
Variant type: single nucleotide variant.
Coding change: c.67G>A on transcript NM_014425.5 (MANE Select); coding-DNA position 67, G replaced by A.
Protein change: p.Val23Ile; replaces valine 23 with isoleucine.
Molecular consequence: missense variant. On other transcripts: 5 prime UTR variant (2), non-coding transcript variant (1).
Genome position (GRCh38, 1-based): chr9:100,104,588, G>A. VCF-style: chr9-100104588-G-A. GRCh37 (hg19) VCF-style: chr9-102866870-G-A.
Other names: c.67G>A (NM_014425.4); c.-310G>A (NM_001318381.2); c.-923G>A (NM_001318382.2); short protein forms V23I.
Identifiers: ClinVar variation 596755 (VCV000596755.22), dbSNP rs145303373, ClinGen allele CA5158054.